The following is an entry in ClinVar:

ClinVar aggregate classification (germline): Uncertain significance (1 of 4 stars; one submission).

Conditions:
Primary ciliary dyskinesia. Also called: Ciliary dyskinesia. Identifiers: Orphanet 244, MedGen C0008780, MONDO:0016575, HP:0012265.

Allele frequency attached by ClinVar (database versions not stated): gnomAD exomes below 0.00001.
gnomAD v4.1: 17 of 1,613,834 alleles (0.0011%); highest among the groups gnomAD compares: Middle Eastern, 0.016%; no homozygotes.

Submission:

Labcorp Genetics (formerly Invitae), Labcorp
Classification: Uncertain significance for Primary ciliary dyskinesia. Last evaluated: 2022-10-17. Review status: criteria provided, single submitter. Criteria: Invitae Variant Classification Sherloc (09022015). Collection method: clinical testing. Allele origin: germline.
Comment: This variant has not been reported in the literature in individuals affected with DNAH8-related conditions. In summary, the available evidence is currently insufficient to determine the role of this variant in disease. Therefore, it has been classified as a Variant of Uncertain Significance. Advanced modeling of protein sequence and biophysical properties (such as structural, functional, and spatial information, amino acid conservation, physicochemical variation, residue mobility, and thermodynamic stability) performed at Invitae indicates that this missense variant is not expected to disrupt DNAH8 protein function. ClinVar contains an entry for this variant (Variation ID: 1373368). This variant is not present in population databases (gnomAD no frequency). This sequence change replaces asparagine, which is neutral and polar, with histidine, which is basic and polar, at codon 4251 of the DNAH8 protein (p.Asn4251His).

NM_001206927.2(DNAH8):c.12751A>C (p.Asn4251His)

Gene: DNAH8 (dynein axonemal heavy chain 8; plus strand). Cytogenetic location: 6p21.2.
Variant type: single nucleotide variant.
Coding change: c.12751A>C on transcript NM_001206927.2 (MANE Select); coding-DNA position 12751, A replaced by C.
Protein change: p.Asn4251His; replaces asparagine 4251 with histidine.
Molecular consequence: missense variant.
Genome position (GRCh38, 1-based): chr6:38,974,446, A>C. VCF-style: chr6-38974446-A-C. GRCh37 (hg19) VCF-style: chr6-38942222-A-C.
Other names: c.12100A>C, p.Asn4034His (NM_001371.4); short protein forms N4034H, N4251H.
Identifiers: ClinVar variation 1373368 (VCV001373368.6), dbSNP rs968299201, ClinGen allele CA137576402.
Genomic context (GRCh38, chr6:38,974,446, plus strand): 5'-TTCACTAATGAGCCACCCCAAGGTGTACGCGCAGGTTTGAAAAGAACATTTGCTGGAATT[A>C]ATCAAGACCTTCTGGACATCAGTAATTTACCCATGTGGAAGCCGATGCTTTACACAGTAG-3'
Protein context (NP_001193856.1, residues 4241-4261): AGLKRTFAGI[Asn4251His]QDLLDISNLP